The following is an entry in ClinVar:

ClinVar aggregate classification (germline): Uncertain significance. Review status: criteria provided, multiple submitters, no conflicts (2 of 4 stars). 2 submissions from 2 submitters: Uncertain significance (2). Last evaluated 2025-08-23.

gnomAD v4.1: 39 of 1,614,070 alleles (0.0024%); highest among the groups gnomAD compares: Non-Finnish European, 0.0032%; no homozygotes.

Submissions (2):

Ambry Genetics
Classification: Uncertain significance. Last evaluated: 2025-08-23. Review status: criteria provided, single submitter. Criteria: Ambry Variant Classification Scheme 2023. Collection method: clinical testing. Allele origin: germline.

Labcorp Genetics (formerly Invitae), Labcorp
Classification: Uncertain significance. Last evaluated: 2024-08-15. Review status: criteria provided, single submitter. Criteria: Invitae Variant Classification Sherloc (09022015). Collection method: clinical testing. Allele origin: germline.
Comment: This sequence change replaces glycine, which is neutral and non-polar, with serine, which is neutral and polar, at codon 285 of the ROM1 protein (p.Gly285Ser). This variant is present in population databases (no rsID available, gnomAD 0.0009%). This variant has not been reported in the literature in individuals affected with ROM1-related conditions. Invitae Evidence Modeling of protein sequence and biophysical properties (such as structural, functional, and spatial information, amino acid conservation, physicochemical variation, residue mobility, and thermodynamic stability) indicates that this missense variant is not expected to disrupt ROM1 protein function with a negative predictive value of 80%. In summary, the available evidence is currently insufficient to determine the role of this variant in disease. Therefore, it has been classified as a Variant of Uncertain Significance.

NM_000327.4(ROM1):c.853G>A (p.Gly285Ser)

Gene: ROM1 (retinal outer segment membrane protein 1; plus strand). Cytogenetic location: 11q12.3.
Variant type: single nucleotide variant.
Coding change: c.853G>A on transcript NM_000327.4 (MANE Select); coding-DNA position 853, G replaced by A.
Protein change: p.Gly285Ser; replaces glycine 285 with serine.
Molecular consequence: missense variant.
Genome position (GRCh38, 1-based): chr11:62,614,636, G>A. VCF-style: chr11-62614636-G-A. GRCh37 (hg19) VCF-style: chr11-62382108-G-A.
Other names: c.853G>A (NM_000327.3); short protein forms G285S.
Identifiers: ClinVar variation 3705997 (VCV003705997.3).